The following is an entry in ClinVar:

NM_000565.4(IL6R):c.760G>A (p.Glu254Lys)

Gene: IL6R (interleukin 6 receptor; plus strand). Cytogenetic location: 1q21.3.
Variant type: single nucleotide variant.
Coding change: c.760G>A on transcript NM_000565.4 (MANE Select); coding-DNA position 760, G replaced by A.
Protein change: p.Glu254Lys; replaces glutamic acid 254 with lysine.
Molecular consequence: missense variant.
Genome position (GRCh38, 1-based): chr1:154,435,109, G>A. VCF-style: chr1-154435109-G-A. GRCh37 (hg19) VCF-style: chr1-154407585-G-A.
Other names: c.760G>A, p.Glu254Lys (NM_001206866.2, NM_001382769.1, NM_001382770.1 and 4 more transcripts); c.400G>A, p.Glu134Lys (NM_001382774.1); c.760G>A (NM_000565.3); short protein forms E134K, E254K.
Identifiers: ClinVar variation 1431227 (VCV001431227.6), dbSNP rs778437122, ClinGen allele CA1129106.
Genomic context (GRCh38, chr1:154,435,109, plus strand): 5'-CTCAGTGTCACCTGGCAAGACCCCCACTCCTGGAACTCATCTTTCTACAGACTACGGTTT[G>A]AGCTCAGATATCGGGCTGAACGGTCAAAGACATTCACAACATGGATGGTAAATTTATGTT-3'
Protein context (NP_000556.1, residues 244-264): WNSSFYRLRF[Glu254Lys]LRYRAERSKT

ClinVar aggregate classification (germline): Uncertain significance. Review status: criteria provided, multiple submitters, no conflicts (2 of 4 stars). 2 submissions from 2 submitters: Uncertain significance (2). Last evaluated 2022-07-12.

Allele frequency attached by ClinVar (database versions not stated): gnomAD 0.00001; gnomAD exomes 0.00002 and 0.00004; TOPMed 0.00002; ExAC 0.00004.

Submissions (2):

Ambry Genetics
Classification: Uncertain significance. Last evaluated: 2022-07-12. Review status: criteria provided, single submitter. Criteria: Ambry Variant Classification Scheme 2023. Collection method: clinical testing. Allele origin: germline.

Labcorp Genetics (formerly Invitae), Labcorp
Classification: Uncertain significance. Last evaluated: 2021-09-01. Review status: criteria provided, single submitter. Criteria: Invitae Variant Classification Sherloc (09022015). Collection method: clinical testing. Allele origin: germline.
Comment: This sequence change replaces glutamic acid with lysine at codon 254 of the IL6R protein (p.Glu254Lys). The glutamic acid residue is highly conserved and there is a small physicochemical difference between glutamic acid and lysine. This variant is present in population databases (rs778437122, ExAC 0.02%). This variant has not been reported in the literature in individuals affected with IL6R-related conditions. Algorithms developed to predict the effect of missense changes on protein structure and function are either unavailable or do not agree on the potential impact of this missense change (SIFT: "Deleterious"; PolyPhen-2: "Possibly Damaging"; Align-GVGD: "Class C15"). In summary, the available evidence is currently insufficient to determine the role of this variant in disease. Therefore, it has been classified as a Variant of Uncertain Significance.